The following is an entry in ClinVar:

ClinVar aggregate classification (germline): Uncertain significance (1 of 4 stars; one submission).

Conditions:
Congenital myasthenic syndrome 8. Also called: MYASTHENIC SYNDROME, CONGENITAL, DUE TO AGRIN DEFICIENCY; Myasthenic syndrome, congenital, 8, with pre- and postsynaptic defects. Identifiers: Orphanet 590, MedGen C3808739, MONDO:0014052, OMIM 615120.

Submission:

Labcorp Genetics (formerly Invitae), Labcorp
Classification: Uncertain significance for Congenital myasthenic syndrome 8. Last evaluated: 2020-01-03. Review status: criteria provided, single submitter. Criteria: Invitae Variant Classification Sherloc (09022015). Collection method: clinical testing. Allele origin: germline.
Comment: In summary, the available evidence is currently insufficient to determine the role of this variant in disease. Therefore, it has been classified as a Variant of Uncertain Significance. Algorithms developed to predict the effect of missense changes on protein structure and function are either unavailable or do not agree on the potential impact of this missense change (SIFT: "Deleterious"; PolyPhen-2: "Probably Damaging"; Align-GVGD: "Class C0"). This variant has not been reported in the literature in individuals with AGRN-related conditions. This variant is not present in population databases (ExAC no frequency). This sequence change replaces arginine with leucine at codon 1734 of the AGRN protein (p.Arg1734Leu). The arginine residue is highly conserved and there is a moderate physicochemical difference between arginine and leucine.

NM_198576.4(AGRN):c.5201G>T (p.Arg1734Leu)

Genes: AGRN (agrin; plus strand), LOC129929078 (ATAC-STARR-seq lymphoblastoid silent region 24; plus strand). Cytogenetic location: 1p36.33.
Variant type: single nucleotide variant.
Coding change: c.5201G>T on transcript NM_198576.4 (MANE Select); coding-DNA position 5201, G replaced by T.
Protein change: p.Arg1734Leu; replaces arginine 1734 with leucine.
Molecular consequence: missense variant.
Genome position (GRCh38, 1-based): chr1:1,050,785, G>T. VCF-style: chr1-1050785-G-T. GRCh37 (hg19) VCF-style: chr1-986165-G-T.
Other names: c.5201G>T, p.Arg1734Leu (NM_001305275.2); c.4886G>T, p.Arg1629Leu (NM_001364727.2); short protein forms R1734L, R1629L.
Identifiers: ClinVar variation 1044564 (VCV001044564.10), dbSNP rs145444272, ClinGen allele CA337781022.